The following is an entry in ClinVar:

ClinVar aggregate classification (germline): Benign. Review status: criteria provided, single submitter (1 of 4 stars). 2 submissions from 2 submitters: Benign (1). 1 of the submissions does not count toward it. Last evaluated 2025-05-14.

Conditions:
KMT2D-related disorder. Also called: KMT2D-Related Disorders.
Kabuki syndrome. Also called: NIIKAWA-KUROKI SYNDROME; Kabuki make-up syndrome. Identifiers: Orphanet 2322, MedGen C0796004, MONDO:0016512.

Allele frequency attached by ClinVar (database versions not stated): gnomAD 0.00001; TOPMed 0.00002; gnomAD exomes 0.00005 and 0.00007; ExAC 0.00010.
gnomAD v4.1: 73 of 1,613,860 alleles (0.0045%); highest among the groups gnomAD compares: South Asian, 0.072%; 2 homozygotes.

Submissions (2):

Labcorp Genetics (formerly Invitae), Labcorp
Classification: Benign for Kabuki syndrome. Last evaluated: 2025-05-14. Review status: criteria provided, single submitter. Criteria: Invitae Variant Classification Sherloc (09022015). Collection method: clinical testing. Allele origin: germline.

PreventionGenetics, part of Exact Sciences
Classification: Likely benign for KMT2D-related condition. Last evaluated: 2021-11-02. Review status: no assertion criteria provided. Collection method: clinical testing. Allele origin: germline. Not counted in ClinVar's aggregate classification.
Comment: This variant is classified as likely benign based on ACMG/AMP sequence variant interpretation guidelines (Richards et al. 2015 PMID: 25741868, with internal and published modifications).

NM_003482.4(KMT2D):c.10241A>G (p.Lys3414Arg)

Gene: KMT2D (lysine methyltransferase 2D; minus strand). Cytogenetic location: 12q13.12.
Variant type: single nucleotide variant.
Coding change: c.10241A>G on transcript NM_003482.4 (MANE Select); coding-DNA position 10241, A replaced by G.
Protein change: p.Lys3414Arg; replaces lysine 3414 with arginine.
Molecular consequence: missense variant.
Genome position (GRCh38, 1-based): chr12:49,034,926, T>C on the plus strand (A>G on the coding strand, the complement: KMT2D is on the minus strand). VCF-style: chr12-49034926-T-C. GRCh37 (hg19) VCF-style: chr12-49428709-T-C.
Other names: c.10241A>G (NM_003482.3); short protein forms K3414R.
Identifiers: ClinVar variation 1600946 (VCV001600946.10), dbSNP rs750178653, ClinGen allele CA6546563.